The following is an entry in ClinVar:

ClinVar aggregate classification (germline): Uncertain significance. Review status: criteria provided, multiple submitters, no conflicts (2 of 4 stars). 2 submissions from 2 submitters: Uncertain significance (2). Last evaluated 2023-12-17.

Conditions:
Inborn genetic diseases. Identifiers: MedGen C0950123, MeSH D030342.

Allele frequency attached by ClinVar (database versions not stated): gnomAD exomes below 0.00001 and 0.00002; ExAC 0.00003; gnomAD 0.00004; TOPMed 0.00006; ESP Exome Variant Server 0.00008; 1000 Genomes Project 30x 0.00016; 1000 Genomes Project 0.00020.
gnomAD v4.1: 12 of 1,612,562 alleles (0.00074%); highest among the groups gnomAD compares: African/African-American, 0.013%; no homozygotes.

Submissions (2):

Ambry Genetics
Classification: Uncertain significance for Inborn genetic diseases. Last evaluated: 2023-12-17. Review status: criteria provided, single submitter. Criteria: Ambry Variant Classification Scheme 2023. Collection method: clinical testing. Allele origin: germline.

Labcorp Genetics (formerly Invitae), Labcorp
Classification: Uncertain significance. Last evaluated: 2022-01-06. Review status: criteria provided, single submitter. Criteria: Invitae Variant Classification Sherloc (09022015). Collection method: clinical testing. Allele origin: germline.
Comment: Algorithms developed to predict the effect of missense changes on protein structure and function are either unavailable or do not agree on the potential impact of this missense change (SIFT: "Tolerated"; PolyPhen-2: "Probably Damaging"; Align-GVGD: "Class C0"). In summary, the available evidence is currently insufficient to determine the role of this variant in disease. Therefore, it has been classified as a Variant of Uncertain Significance. ClinVar contains an entry for this variant (Variation ID: 1020302). This variant has not been reported in the literature in individuals affected with CTR9-related conditions. This variant is present in population databases (rs377098949, gnomAD 0.02%). This sequence change replaces valine, which is neutral and non-polar, with alanine, which is neutral and non-polar, at codon 746 of the CTR9 protein (p.Val746Ala).

NM_014633.5(CTR9):c.2237T>C (p.Val746Ala)

Gene: CTR9 (CTR9 component of Paf1/RNA polymerase II complex; plus strand). Cytogenetic location: 11p15.4.
Variant type: single nucleotide variant.
Coding change: c.2237T>C on transcript NM_014633.5 (MANE Select); coding-DNA position 2237, T replaced by C.
Protein change: p.Val746Ala; replaces valine 746 with alanine.
Molecular consequence: missense variant.
Genome position (GRCh38, 1-based): chr11:10,770,497, T>C. VCF-style: chr11-10770497-T-C. GRCh37 (hg19) VCF-style: chr11-10792044-T-C.
Other names: c.2237T>C, p.Val746Ala (NM_001346279.2); c.2237T>C (NM_014633.3); short protein forms V746A.
Identifiers: ClinVar variation 1020302 (VCV001020302.10), dbSNP rs377098949, ClinGen allele CA5885283.